The following is an entry in ClinVar:

ClinVar aggregate classification (germline): Uncertain significance. Review status: criteria provided, multiple submitters, no conflicts (2 of 4 stars). 3 submissions from 3 submitters: Uncertain significance (3). Last evaluated 2026-01-26.

Conditions:
Hereditary cancer-predisposing syndrome. Also called: Neoplastic Syndromes, Hereditary; Hereditary Cancer Syndrome; Tumor predisposition; Hereditary neoplastic syndrome. Identifiers: Orphanet 140162, MedGen C0027672, MeSH D009386, MONDO:0015356.
Neuroblastoma, susceptibility to, 3. Also called: ALK-Related Neuroblastic Tumor Susceptibility. Identifiers: Orphanet 635, MedGen C2751681, MONDO:0013083, OMIM 613014.

Allele frequency attached by ClinVar (database versions not stated): gnomAD exomes below 0.00001; gnomAD 0.00001; TOPMed 0.00003.
gnomAD v4.1: 2 of 1,612,072 alleles (0.00012%); highest among the groups gnomAD compares: African/African-American, 0.0027%; no homozygotes.

Submissions (3):

Labcorp Genetics (formerly Invitae), Labcorp
Classification: Uncertain significance for Neuroblastoma, susceptibility to, 3. Last evaluated: 2026-01-26. Review status: criteria provided, single submitter. Criteria: Invitae Variant Classification Sherloc (09022015). Collection method: clinical testing. Allele origin: germline.
Comment: This sequence change replaces leucine, which is neutral and non-polar, with proline, which is neutral and non-polar, at codon 145 of the ALK protein (p.Leu145Pro). This variant is not present in population databases (gnomAD no frequency). This variant has not been reported in the literature in individuals affected with ALK-related conditions. ClinVar contains an entry for this variant (Variation ID: 1442170). An algorithm developed to predict the effect of missense changes on protein structure and function (PolyPhen-2) suggests that this variant is likely to be disruptive. In summary, the available evidence is currently insufficient to determine the role of this variant in disease. Therefore, it has been classified as a Variant of Uncertain Significance.

Ambry Genetics
Classification: Uncertain significance for Hereditary cancer-predisposing syndrome. Last evaluated: 2024-12-09. Review status: criteria provided, single submitter. Criteria: Ambry Variant Classification Scheme 2023. Collection method: clinical testing. Allele origin: germline.
Comment: The p.L145P variant (also known as c.434T>C), located in coding exon 1 of the ALK gene, results from a T to C substitution at nucleotide position 434. The leucine at codon 145 is replaced by proline, an amino acid with similar properties. This amino acid position is not well conserved in available vertebrate species. In addition, this alteration is predicted to be deleterious by in silico analysis. Based on the available evidence, the clinical significance of this variant remains unclear.

GeneDx
Classification: Uncertain significance. Last evaluated: 2024-05-30. Review status: criteria provided, single submitter. Criteria: GeneDx Variant Classification Process June 2021. Collection method: clinical testing. Allele origin: germline. Affected: yes.
Comment: Not observed at significant frequency in large population cohorts (gnomAD); In silico analysis indicates that this missense variant does not alter protein structure/function; Has not been previously published as pathogenic or benign to our knowledge

NM_004304.5(ALK):c.434T>C (p.Leu145Pro)

Gene: ALK (ALK receptor tyrosine kinase; minus strand). Cytogenetic location: 2p23.1.
Variant type: single nucleotide variant.
Coding change: c.434T>C on transcript NM_004304.5 (MANE Select); coding-DNA position 434, T replaced by C.
Protein change: p.Leu145Pro; replaces leucine 145 with proline.
Molecular consequence: missense variant.
Genome position (GRCh38, 1-based): chr2:29,920,226, A>G on the plus strand (T>C on the coding strand, the complement: ALK is on the minus strand). VCF-style: chr2-29920226-A-G. GRCh37 (hg19) VCF-style: chr2-30143092-A-G.
Other names: c.434T>C (NM_004304.4); short protein forms L145P.
Identifiers: ClinVar variation 1442170 (VCV001442170.8), dbSNP rs1305698643, ClinGen allele CA346590053.